The following is an entry in ClinVar:

NM_000271.5(NPC1):c.1844del (p.Arg615fs)

Gene: NPC1 (NPC intracellular cholesterol transporter 1; minus strand). Cytogenetic location: 18q11.2.
Variant type: Deletion.
Coding change: c.1844del on transcript NM_000271.5 (MANE Select); coding-DNA position 1844, one base deleted (G; older notation c.1844delG).
Protein change: p.Arg615fs; shifts the reading frame from arginine 615.
Molecular consequence: frameshift variant.
Genome position (GRCh38, 1-based): chr18:23,545,063, C deleted on the plus strand (G on the coding strand, the reverse complement: NPC1 is on the minus strand). VCF-style (leftmost placement, unchanged base first): chr18-23545062-AC-A. GRCh37 (hg19) VCF-style: chr18-21125026-AC-A.
Other names: short protein forms R615fs.
Identifiers: ClinVar variation 936729 (VCV000936729.7), dbSNP rs1257362365, ClinGen allele CA777725569.

ClinVar aggregate classification (germline): Pathogenic (1 of 4 stars; one submission).

Conditions:
Niemann-Pick disease, type C1. Also called: NIEMANN-PICK DISEASE, VARIANT TYPE C1; NEUROVISCERAL STORAGE DISEASE WITH VERTICAL SUPRANUCLEAR OPHTHALMOPLEGIA; NIEMANN-PICK DISEASE WITH CHOLESTEROL ESTERIFICATION BLOCK; NIEMANN-PICK DISEASE WITHOUT SPHINGOMYELINASE DEFICIENCY; NIEMANN-PICK DISEASE, CHRONIC NEURONOPATHIC FORM. Identifiers: Orphanet 646, MedGen C3179455, MONDO:0009757, OMIM 257220.

Allele frequency attached by ClinVar (database versions not stated): gnomAD exomes below 0.00001; TOPMed below 0.00001.

Submission:

Labcorp Genetics (formerly Invitae), Labcorp
Classification: Pathogenic for Niemann-Pick disease, type C1. Last evaluated: 2023-10-29. Review status: criteria provided, single submitter. Criteria: Invitae Variant Classification Sherloc (09022015). Collection method: clinical testing. Allele origin: germline.
Comment: This sequence change creates a premature translational stop signal (p.Arg615Leufs*11) in the NPC1 gene. It is expected to result in an absent or disrupted protein product. Loss-of-function variants in NPC1 are known to be pathogenic (PMID: 9211850). This variant is not present in population databases (gnomAD no frequency). This variant has not been reported in the literature in individuals affected with NPC1-related conditions. ClinVar contains an entry for this variant (Variation ID: 936729). For these reasons, this variant has been classified as Pathogenic.

Literature cited by the submitters: PubMed 9211850.